The following is an entry in ClinVar:

ClinVar aggregate classification (germline): Pathogenic (1 of 4 stars; one submission).

Conditions:
Autosomal recessive titinopathy. Identifiers: MedGen CN315649, MONDO:0100493.

Submission:

Myofin, Folkhalsan Research Center
Classification: Pathogenic for Autosomal recessive titinopathy. Last evaluated: 2026-02-06. Review status: criteria provided, single submitter. Criteria: ACMG Guidelines, 2015. Collection method: research. Allele origin: germline. Affected: yes.
Comment: TTN loss-of-function is an established mechanism for autosomal recessive titinopathies. ACMG/AMP criteria applied: PVS1 (predicted loss of function), PM2_Supporting (absent/rare in population databases), and PP4_Supporting (highly consistent clinical phenotype). Overall classification: Pathogenic for recessive titinopathy.

Literature cited by the submitters: DOI 10.1101/2025.07.17.25331123.

NM_001267550.2(TTN):c.33938dup (p.Glu11314fs)

Gene: TTN (titin; minus strand). Cytogenetic location: 2q31.2.
Variant type: Duplication.
Coding change: c.33938dup on transcript NM_001267550.2 (MANE Select); coding-DNA position 33938, one base duplicated (C; older notation c.33938dupC).
Protein change: p.Glu11314fs; shifts the reading frame from glutamic acid 11314.
Molecular consequence: frameshift variant. On other transcripts: intron variant (3).
Genome position (GRCh38, 1-based): chr2:178,678,181, G duplicated on the plus strand (C on the coding strand, the reverse complement: TTN is on the minus strand); the first of 3 consecutive G bases (chr2:178,678,181-178,678,183); duplicating any one gives the same sequence. VCF-style (leftmost placement, unchanged base first): chr2-178678180-T-TG. GRCh37 (hg19) VCF-style: chr2-179542907-T-TG.
Other names: c.32987dup, p.Glu10997fs (NM_001256850.1); c.30206dup, p.Glu10070fs (NM_133378.4); c.13283-35864dup (NM_003319.4); c.13859-35864dup (NM_133437.4); c.13658-35864dup (NM_133432.3); short protein forms E10070fs, E10997fs, E11314fs.
Identifiers: ClinVar variation 4795225 (VCV004795225.1).
Genomic context (GRCh38, chr2:178,678,180, plus strand): 5'-TGTACCTTTGGGTGGTGGTGCTTCCACTTTTTTCGGAACAGGTGTTGGTTTCTTTTCTTC[T>TG]GGGATGAGCTTCTTGGGCACCTCTGGCACTTTAAAGATATTATTTATATTTAGGAATATG-3'